The following is an entry in ClinVar:

NM_000093.5(COL5A1):c.2341G>A (p.Gly781Ser)

Gene: COL5A1 (collagen type V alpha 1 chain; plus strand). Cytogenetic location: 9q34.3.
Variant type: single nucleotide variant.
Coding change: c.2341G>A on transcript NM_000093.5 (MANE Select); coding-DNA position 2341, G replaced by A.
Protein change: p.Gly781Ser; replaces glycine 781 with serine.
Molecular consequence: missense variant.
Genome position (GRCh38, 1-based): chr9:134,774,868, G>A. VCF-style: chr9-134774868-G-A. GRCh37 (hg19) VCF-style: chr9-137666714-G-A.
Other names: c.2341G>A, p.Gly781Ser (NM_001278074.1); short protein forms G781S.
Identifiers: ClinVar variation 4755899 (VCV004755899.1).

ClinVar aggregate classification (germline): Uncertain significance (1 of 4 stars; one submission).

Submission:

GeneDx
Classification: Uncertain significance. Last evaluated: 2025-08-08. Review status: criteria provided, single submitter. Criteria: GeneDx Variant Classification Process June 2021. Collection method: clinical testing. Allele origin: germline. Affected: yes.
Comment: Not observed at significant frequency in large population cohorts (gnomAD); In silico analysis supports that this missense variant has a deleterious effect on protein structure/function; Has not been previously published as pathogenic or benign to our knowledge; This variant is associated with the following publications: (PMID: 22696272)